The following is an entry in ClinVar:

NM_000045.4(ARG1):c.862G>A (p.Glu288Lys)

Genes: ARG1 (arginase 1; plus strand), MED23 (mediator complex subunit 23; minus strand). Cytogenetic location: 6q23.2.
Variant type: single nucleotide variant.
Coding change: c.862G>A on transcript NM_000045.4 (MANE Select); coding-DNA position 862, G replaced by A.
Protein change: p.Glu288Lys; replaces glutamic acid 288 with lysine.
Molecular consequence: missense variant. On other transcripts: non-coding transcript variant (1), intron variant (2).
Genome position (GRCh38, 1-based): chr6:131,583,801, G>A. VCF-style: chr6-131583801-G-A. GRCh37 (hg19) VCF-style: chr6-131904941-G-A.
Other names: c.886G>A, p.Glu296Lys (NM_001244438.2); c.607G>A, p.Glu203Lys (NM_001369020.1); c.4077+3908C>T (NM_001270521.2); c.4095+3908C>T (NM_015979.4); c.862G>A (NM_000045.3); short protein forms E203K, E288K, E296K.
Identifiers: ClinVar variation 1023425 (VCV001023425.7), dbSNP rs932875709, ClinGen allele CA147898811.

ClinVar aggregate classification (germline): Uncertain significance. Review status: criteria provided, multiple submitters, no conflicts (2 of 4 stars). 3 submissions from 3 submitters: Uncertain significance (3). Last evaluated 2024-03-25.

Conditions:
Inborn genetic diseases. Identifiers: MedGen C0950123, MeSH D030342.
Arginase deficiency. Also called: ARGININEMIA; ARG1 DEFICIENCY; Arginase 1 Deficiency. Identifiers: Orphanet 90, MedGen C0268548, MONDO:0008814, OMIM 207800.

Allele frequency attached by ClinVar (database versions not stated): TOPMed below 0.00001.

Submissions (3):

Ambry Genetics
Classification: Uncertain significance for Inborn genetic diseases. Last evaluated: 2024-03-25. Review status: criteria provided, single submitter. Criteria: Ambry Variant Classification Scheme 2023. Collection method: clinical testing. Allele origin: germline.

Baylor Genetics
Classification: Uncertain significance for Arginase deficiency. Last evaluated: 2023-08-04. Review status: criteria provided, single submitter. Criteria: ACMG Guidelines, 2015. Collection method: clinical testing. Allele origin: unknown.

Labcorp Genetics (formerly Invitae), Labcorp
Classification: Uncertain significance for Arginase deficiency. Last evaluated: 2022-08-16. Review status: criteria provided, single submitter. Criteria: Invitae Variant Classification Sherloc (09022015). Collection method: clinical testing. Allele origin: germline.
Comment: This sequence change replaces glutamic acid, which is acidic and polar, with lysine, which is basic and polar, at codon 288 of the ARG1 protein (p.Glu288Lys). This variant is not present in population databases (gnomAD no frequency). This variant has not been reported in the literature in individuals affected with ARG1-related conditions. ClinVar contains an entry for this variant (Variation ID: 1023425). Algorithms developed to predict the effect of missense changes on protein structure and function (SIFT, PolyPhen-2, Align-GVGD) all suggest that this variant is likely to be tolerated. In summary, the available evidence is currently insufficient to determine the role of this variant in disease. Therefore, it has been classified as a Variant of Uncertain Significance.